The following is an entry in ClinVar:

ClinVar aggregate classification (germline): Uncertain significance (1 of 4 stars; one submission).

Submission:

Labcorp Genetics (formerly Invitae), Labcorp
Classification: Uncertain significance. Last evaluated: 2025-08-14. Review status: criteria provided, single submitter. Criteria: Invitae Variant Classification Sherloc (09022015). Collection method: clinical testing. Allele origin: germline.
Comment: This sequence change replaces glycine, which is neutral and non-polar, with aspartic acid, which is acidic and polar, at codon 915 of the COL4A4 protein (p.Gly915Asp). This variant is not present in population databases (gnomAD no frequency). This variant has not been reported in the literature in individuals affected with COL4A4-related conditions. Invitae Evidence Modeling of protein sequence and biophysical properties (such as structural, functional, and spatial information, amino acid conservation, physicochemical variation, residue mobility, and thermodynamic stability) indicates that this missense variant is expected to disrupt COL4A4 protein function with a positive predictive value of 95%. In summary, the available evidence is currently insufficient to determine the role of this variant in disease. Therefore, it has been classified as a Variant of Uncertain Significance.

NM_000092.5(COL4A4):c.2744G>A (p.Gly915Asp)

Gene: COL4A4 (collagen type IV alpha 4 chain; minus strand). Cytogenetic location: 2q36.3.
Variant type: single nucleotide variant.
Coding change: c.2744G>A on transcript NM_000092.5 (MANE Select); coding-DNA position 2744, G replaced by A.
Protein change: p.Gly915Asp; replaces glycine 915 with aspartic acid.
Molecular consequence: missense variant.
Genome position (GRCh38, 1-based): chr2:227,054,710, C>T on the plus strand (G>A on the coding strand, the complement: COL4A4 is on the minus strand). VCF-style: chr2-227054710-C-T. GRCh37 (hg19) VCF-style: chr2-227919426-C-T.
Other names: short protein forms G915D.
Identifiers: ClinVar variation 4766575 (VCV004766575.1).